The following is an entry in ClinVar:

ClinVar aggregate classification (germline): Conflicting classifications of pathogenicity. Review status: criteria provided, conflicting classifications (1 of 4 stars). 4 submissions from 4 submitters: Uncertain significance (2); Likely benign (2). Last evaluated 2026-08-14.

Conditions:
PKD1-related disorder. Also called: PKD1-related condition.

Allele frequency attached by ClinVar (database versions not stated): gnomAD exomes 0.00011; gnomAD 0.00013 and 0.00014; TOPMed 0.00014; ExAC 0.00020.
gnomAD v4.1: 193 of 1,593,272 alleles (0.012%); highest among the groups gnomAD compares: Middle Eastern, 0.068%; no homozygotes.

Submissions (4):

GeneDx
Classification: Uncertain significance. Last evaluated: 2026-08-14. Review status: criteria provided, single submitter. Criteria: GeneDx Variant Classification Process June 2021. Collection method: clinical testing. Allele origin: germline.
Comment: Reported as a likely polymorphic variant in unrelated patients with polycystic kidney disease in published literature (PMID: 22008521, 17582161); In silico analysis supports that this missense variant has a deleterious effect on protein structure/function; This variant is associated with the following publications: (PMID: 17582161, 22008521)

Women's Health and Genetics/Laboratory Corporation of America, LabCorp
Classification: Uncertain significance. Last evaluated: 2025-06-18. Review status: criteria provided, single submitter. Criteria: LabCorp Variant Classification Summary - May 2015. Collection method: clinical testing. Allele origin: germline.
Comment: Variant summary: PKD1 c.7210C>T (p.Arg2404Trp) results in a non-conservative amino acid change in the encoded protein sequence. Algorithms developed to predict the effect of missense changes on protein structure and function are either unavailable or do not agree on the potential impact of this missense change. Consensus agreement among computation tools predict no significant impact on normal splicing. However, these predictions have yet to be confirmed by functional studies. The variant allele was found at a frequency of 0.00023 in 200218 control chromosomes. This frequency is not significantly higher than estimated for a pathogenic variant in PKD1 causing PKD1-Biallelic Autosomal Recessive Polycystic Kidney Disease, allowing no conclusion about variant significance. c.7210C>T has been observed in an individual from a cohort of autosomal dominant polycystic kidney disease (example: Bataille_2011). These report(s) do not provide unequivocal conclusions about association of the variant with PKD1-Biallelic Autosomal Recessive Polycystic Kidney Disease. To our knowledge, no experimental evidence demonstrating an impact on protein function has been reported. The following publication has been ascertained in the context of this evaluation (PMID: 22008521). ClinVar contains an entry for this variant (Variation ID: 1343023). Based on the evidence outlined above, the variant was classified as uncertain significance for autosomal dominant polycystic kidney disease and biallelic autosomal recessive polycystic kidney disease.

PreventionGenetics, part of Exact Sciences
Classification: Likely benign for PKD1-related condition. Last evaluated: 2025-02-09. Review status: criteria provided, single submitter. Criteria: ACMG Guidelines, 2015. Collection method: clinical testing. Allele origin: germline.
Comment: This variant is classified as likely benign based on ACMG/AMP sequence variant interpretation guidelines (Richards et al. 2015 PMID: 25741868, with internal and published modifications).

Blueprint Genetics
Classification: Likely benign. Last evaluated: 2024-10-17. Review status: criteria provided, single submitter. Criteria: ACMG Guidelines, 2015. Collection method: clinical testing. Allele origin: germline.

Literature cited by the submitters: PubMed 22008521 (cited by Women's Health and Genetics/Laboratory Corporation of America, LabCorp).

NM_001009944.3(PKD1):c.7210C>T (p.Arg2404Trp)

Genes: MIR6511B1 (microRNA 6511b-1; minus strand), PKD1 (polycystin 1, transient receptor potential channel interacting; minus strand). Cytogenetic location: 16p13.3.
Variant type: single nucleotide variant.
Coding change: c.7210C>T on transcript NM_001009944.3 (MANE Select); coding-DNA position 7210, C replaced by T.
Protein change: p.Arg2404Trp; replaces arginine 2404 with tryptophan.
Molecular consequence: missense variant. On other transcripts: non-coding transcript variant (1).
Genome position (GRCh38, 1-based): chr16:2,106,677, G>A on the plus strand (C>T on the coding strand, the complement: PKD1 is on the minus strand). VCF-style: chr16-2106677-G-A. GRCh37 (hg19) VCF-style: chr16-2156678-G-A.
Other names: c.7210C>T, p.Arg2404Trp (NM_000296.4); short protein forms R2404W.
Identifiers: ClinVar variation 1343023 (VCV001343023.8), dbSNP rs766631753, ClinGen allele CA7831218.